The following is an entry in ClinVar:

NM_014714.4(IFT140):c.2671del (p.Gln890_Val891insTer)

Gene: IFT140 (intraflagellar transport 140; minus strand). Cytogenetic location: 16p13.3.
Variant type: Deletion.
Coding change: c.2671del on transcript NM_014714.4 (MANE Select); coding-DNA position 2671, one base deleted (G; older notation c.2671delG).
Protein change: p.Gln890_Val891insTer.
Molecular consequence: nonsense.
Genome position (GRCh38, 1-based): chr16:1,525,984, C deleted on the plus strand (G on the coding strand, the reverse complement: IFT140 is on the minus strand); the first of 2 consecutive C bases (chr16:1,525,984-1,525,985); deleting either gives the same sequence. VCF-style (leftmost placement, unchanged base first): chr16-1525983-AC-A. GRCh37 (hg19) VCF-style: chr16-1575984-AC-A.
Identifiers: ClinVar variation 1373449 (VCV001373449.7), dbSNP rs2141179932, ClinGen allele CA2573151760.

ClinVar aggregate classification (germline): Pathogenic/Likely pathogenic. Review status: criteria provided, multiple submitters, no conflicts (2 of 4 stars). 2 submissions from 2 submitters: Pathogenic (1); Likely pathogenic (1). Last evaluated 2025-04-16.

Conditions:
Saldino-Mainzer syndrome (SRTD9). Also called: CONORENAL SYNDROME; Renal dysplasia, retinal pigmentary dystrophy, cerebellar ataxia and skeletal dysplasia; SHORT-RIB THORACIC DYSPLASIA 9 WITHOUT POLYDACTYLY; short-rib thoracic dysplasia 9 with or without polydactyly. Identifiers: Orphanet 140969, MedGen C1849437, MONDO:0009964, OMIM 266920.
Retinitis pigmentosa 80 (RP80). Identifiers: MedGen C4540439, MONDO:0054708, OMIM 617781.

Submissions (2):

Labcorp Genetics (formerly Invitae), Labcorp
Classification: Pathogenic for Saldino-Mainzer syndrome. Last evaluated: 2025-04-16. Review status: criteria provided, single submitter. Criteria: Invitae Variant Classification Sherloc (09022015). Collection method: clinical testing. Allele origin: germline.
Comment: This sequence change creates a premature translational stop signal (p.Val891*) in the IFT140 gene. It is expected to result in an absent or disrupted protein product. Loss-of-function variants in IFT140 are known to be pathogenic (PMID: 22503633, 23418020, 24009529, 26216056). This variant is not present in population databases (gnomAD no frequency). This variant has not been reported in the literature in individuals affected with IFT140-related conditions. ClinVar contains an entry for this variant (Variation ID: 1373449). For these reasons, this variant has been classified as Pathogenic.

Fulgent Genetics
Classification: Likely pathogenic for Saldino-Mainzer syndrome; Retinitis pigmentosa 80. Last evaluated: 2021-09-22. Review status: criteria provided, single submitter. Criteria: ACMG Guidelines, 2015. Collection method: clinical testing. Allele origin: unknown.

Literature cited by the submitters: PubMed 22503633 (cited by Labcorp Genetics (formerly Invitae), Labcorp); PubMed 23418020 (cited by Labcorp Genetics (formerly Invitae), Labcorp); PubMed 24009529 (cited by Labcorp Genetics (formerly Invitae), Labcorp); PubMed 26216056 (cited by Labcorp Genetics (formerly Invitae), Labcorp).